The following is an entry in ClinVar:

ClinVar aggregate classification (germline): Benign/Likely benign. Review status: criteria provided, multiple submitters, no conflicts (2 of 4 stars). 7 submissions from 6 submitters: Benign (1); Likely benign (4). 2 of the submissions do not count toward it. Last evaluated 2025-05-25.

Conditions:
Hereditary cancer-predisposing syndrome. Also called: Tumor predisposition; Hereditary Cancer Syndrome; Neoplastic Syndromes, Hereditary; Hereditary neoplastic syndrome. Identifiers: Orphanet 140162, MedGen C0027672, MeSH D009386, MONDO:0015356.
Fanconi anemia complementation group O. Also called: RAD51C-Related Fanconi Anemia. Identifiers: Orphanet 84, MedGen C3150653, MONDO:0013248, OMIM 613390.
Breast-ovarian cancer, familial, susceptibility to, 3. Also called: RAD51C-Related Breast/Ovarian Cancer. Identifiers: Orphanet 145, MedGen C3150659, MONDO:0013253, OMIM 613399.

Allele frequency attached by ClinVar (database versions not stated): gnomAD exomes below 0.00001.
gnomAD v4.1: 2 of 1,611,216 alleles (0.00012%); highest among the groups gnomAD compares: South Asian, 0.0011%; no homozygotes.

Submissions (7):

Labcorp Genetics (formerly Invitae), Labcorp
Classification: Likely benign for Fanconi anemia complementation group O. Last evaluated: 2025-05-25. Review status: criteria provided, single submitter. Criteria: Invitae Variant Classification Sherloc (09022015). Collection method: clinical testing. Allele origin: germline.

Myriad Genetics, Inc.
Classification: Benign for Breast-ovarian cancer, familial, susceptibility to, 3. Last evaluated: 2025-02-19. Review status: criteria provided, single submitter. Criteria: Myriad Autosomal Dominant, Autosomal Recessive and X-Linked Classification Criteria (2023). Collection method: clinical testing. Allele origin: unknown.
Comment: This variant is considered benign. This variant is a silent/synonymous amino acid change and it is not expected to impact splicing.

Ambry Genetics
Classification: Likely benign for Hereditary cancer-predisposing syndrome. Last evaluated: 2023-07-13. Review status: criteria provided, single submitter. Criteria: Ambry Variant Classification Scheme 2023. Collection method: clinical testing. Allele origin: germline.

Color Diagnostics, LLC DBA Color Health
Classification: Likely benign for Hereditary cancer-predisposing syndrome. Last evaluated: 2017-04-28. Review status: criteria provided, single submitter. Criteria: ACMG Guidelines, 2015. Collection method: clinical testing. Allele origin: germline.

GeneDx
Classification: Likely benign. Last evaluated: 2016-10-07. Review status: criteria provided, single submitter. Criteria: GeneDx Variant Classification (06012015). Collection method: clinical testing. Allele origin: germline. Affected: yes.
Comment: This variant is considered likely benign or benign based on one or more of the following criteria: it is a conservative change, it occurs at a poorly conserved position in the protein, it is predicted to be benign by multiple in silico algorithms, and/or has population frequency not consistent with disease.

Counsyl
Classification: Likely benign for Fanconi anemia complementation group O. Last evaluated: 2016-10-13. Review status: no assertion criteria provided. Collection method: clinical testing. Allele origin: unknown. Not counted in ClinVar's aggregate classification.

Counsyl
Classification: Likely benign for Breast-ovarian cancer, familial, susceptibility to, 3. Last evaluated: 2016-10-13. Review status: no assertion criteria provided. Collection method: clinical testing. Allele origin: unknown. Not counted in ClinVar's aggregate classification.

NM_058216.3(RAD51C):c.756A>G (p.Leu252=)

Gene: RAD51C (RAD51 paralog C; plus strand). Cytogenetic location: 17q22.
Variant type: single nucleotide variant.
Coding change: c.756A>G on transcript NM_058216.3 (MANE Select); coding-DNA position 756, A replaced by G.
Protein change: p.Leu252=; no amino-acid change (leucine 252 retained).
Molecular consequence: synonymous variant. On other transcripts: non-coding transcript variant (1).
Genome position (GRCh38, 1-based): chr17:58,709,909, A>G. VCF-style: chr17-58709909-A-G. GRCh37 (hg19) VCF-style: chr17-56787270-A-G.
Identifiers: ClinVar variation 215959 (VCV000215959.17), dbSNP rs863224437, ClinGen allele CA339324.
Genomic context (GRCh38, chr17:58,709,909, plus strand): 5'-CTGTATTTAGGTTCGACTAGTGATAGTGGATGGTATTGCTTTTCCATTTCGTCATGACCT[A>G]GATGACCTGTCTCTTCGTACTCGGTTATTAAATGGCCTAGCCCAGCAAATGATCAGCCTT-3'
Protein context (NP_478123.1, residues 242-262): DGIAFPFRHD[Leu252=]DDLSLRTRLL